The following is an entry in ClinVar:

NM_007327.4(GRIN1):c.75G>T (p.Lys25Asn)

Gene: GRIN1 (glutamate ionotropic receptor NMDA type subunit 1; plus strand). Cytogenetic location: 9q34.3.
Variant type: single nucleotide variant.
Coding change: c.75G>T on transcript NM_007327.4 (MANE Select); coding-DNA position 75, G replaced by T.
Protein change: p.Lys25Asn; replaces lysine 25 with asparagine.
Molecular consequence: missense variant.
Genome position (GRCh38, 1-based): chr9:137,139,561, G>T. VCF-style: chr9-137139561-G-T. GRCh37 (hg19) VCF-style: chr9-140034013-G-T.
Other names: c.75G>T, p.Lys25Asn (NM_000832.7, NM_001185090.2, NM_001185091.2 and 1 more transcripts); short protein forms K25N.
Identifiers: ClinVar variation 3720502 (VCV003720502.2).

ClinVar aggregate classification (germline): Uncertain significance (1 of 4 stars; one submission).

Conditions:
Neurodevelopmental disorder with or without hyperkinetic movements and seizures, autosomal dominant. Also called: Intellectual disability, autosomal dominant 8. Identifiers: MedGen C3280282, MONDO:0013655, OMIM 614254.

Submission:

Labcorp Genetics (formerly Invitae), Labcorp
Classification: Uncertain significance for Neurodevelopmental disorder with or without hyperkinetic movements and seizures, autosomal dominant. Last evaluated: 2024-10-20. Review status: criteria provided, single submitter. Criteria: Invitae Variant Classification Sherloc (09022015). Collection method: clinical testing. Allele origin: germline.
Comment: This sequence change replaces lysine, which is basic and polar, with asparagine, which is neutral and polar, at codon 25 of the GRIN1 protein (p.Lys25Asn). This variant is not present in population databases (gnomAD no frequency). This variant has not been reported in the literature in individuals affected with GRIN1-related conditions. Invitae Evidence Modeling of protein sequence and biophysical properties (such as structural, functional, and spatial information, amino acid conservation, physicochemical variation, residue mobility, and thermodynamic stability) indicates that this missense variant is not expected to disrupt GRIN1 protein function with a negative predictive value of 95%. In summary, the available evidence is currently insufficient to determine the role of this variant in disease. Therefore, it has been classified as a Variant of Uncertain Significance.